The following is an entry in ClinVar:

ClinVar aggregate classification (germline): Pathogenic. Review status: criteria provided, multiple submitters, no conflicts (2 of 4 stars). 3 submissions from 3 submitters: Pathogenic (2). 1 of the submissions does not count toward it. Last evaluated 2024-08-12.

Conditions:
Hereditary cancer-predisposing syndrome. Also called: Hereditary neoplastic syndrome; Hereditary Cancer Syndrome; Tumor predisposition; Neoplastic Syndromes, Hereditary. Identifiers: Orphanet 140162, MedGen C0027672, MeSH D009386, MONDO:0015356.
Familial adenomatous polyposis 1 (FAP1). Also called: FAMILIAL ADENOMATOUS POLYPOSIS 1, ATTENUATED; POLYPOSIS, ADENOMATOUS INTESTINAL. Identifiers: MedGen C2713442, MONDO:0021056, OMIM 175100. Disease mechanism: loss of function.
Carcinoma of colon (CRC). Also called: Colon carcinoma; Colonic carcinoma. Identifiers: MedGen C0699790, MONDO:0002032.

Submissions (3):

Molecular Pathology, Peter Maccallum Cancer Centre
Classification: Pathogenic for Familial adenomatous polyposis 1. Last evaluated: 2024-08-12. Review status: criteria provided, single submitter. Criteria: ACMG Guidelines, 2015. Collection method: clinical testing. Allele origin: germline. Inheritance: Autosomal dominant inheritance.

Ambry Genetics
Classification: Pathogenic for Hereditary cancer-predisposing syndrome. Last evaluated: 2023-10-26. Review status: criteria provided, single submitter. Criteria: Ambry Variant Classification Scheme 2023. Collection method: clinical testing. Allele origin: germline.
Comment: The c.3114_3115delTG pathogenic mutation, located in coding exon 15 of the APC gene, results from a deletion of two nucleotides at nucleotide positions 3114 to 3115, causing a translational frameshift with a predicted alternate stop codon (p.G1039Kfs*8). This alteration occurs at the 3' terminus of theAPC gene and is not expected to trigger nonsense-mediated mRNA decay. However, premature stop codons are typically deleterious in nature, the impacted region is critical for protein function, and a significant portion of the protein is affected (Ambry internal data). This alteration was identified in a patient with familial adenomatous polyposis (FAP) (Cao X et al. Am J Gastroenterol, 2006 Dec;101:2810-7). This variant is considered to be rare based on population cohorts in the Genome Aggregation Database (gnomAD). Based on the supporting evidence, this alteration is interpreted as a disease-causing mutation.

Department of Pathology and Laboratory Medicine, Sinai Health System
Classification: Pathogenic for Carcinoma of colon. Review status: no assertion criteria provided. Collection method: clinical testing. Allele origin: unknown. Affected: yes. Study: The Canadian Open Genetics Repository (COGR). Not counted in ClinVar's aggregate classification.
Comment: The p.Gly1039LysfsX8 deletion variant has been previously reported in the literature in 1 family with FAP (Cao 2006). This deletion is predicted to cause a frameshift, which alters the protein's amino acid sequence beginning at codon 1039 and leads to a premature stop codon 8 codons downstream. This alteration is predicted to cause a truncated or absent protein and loss of function. Loss of function variants are an established mechanism of disease for the APC gene and is the they type of variant that is expected to cause FAP. In summary, based on the above information, this variant is classified as pathogenic.

Literature cited by the submitters: PubMed 17026565 (cited by Ambry Genetics).

NM_000038.6(APC):c.3114_3115del (p.Gly1039fs)

Gene: APC (APC regulator of Wnt signaling pathway; plus strand). Cytogenetic location: 5q22.2.
Variant type: Deletion.
Coding change: c.3114_3115del on transcript NM_000038.6 (MANE Select); coding-DNA positions 3114 to 3115, 2 bases deleted (TG; older notation c.3114_3115delTG).
Protein change: p.Gly1039fs; shifts the reading frame from glycine 1039.
Molecular consequence: frameshift variant.
Genome position (GRCh38, 1-based): chr5:112,838,708-112,838,709, TG deleted. VCF-style (leftmost placement, unchanged base first): chr5-112838707-CTG-C. GRCh37 (hg19) VCF-style: chr5-112174404-CTG-C.
Other names: c.3114_3115del, p.Gly1039fs (NM_001127510.3, NM_001354895.2); c.3060_3061del, p.Gly1021fs (NM_001127511.3); c.3168_3169del, p.Gly1057fs (NM_001354896.2); c.3144_3145del, p.Gly1049fs (NM_001354897.2); c.3039_3040del, p.Gly1014fs (NM_001354898.2); c.3030_3031del, p.Gly1011fs (NM_001354899.2); c.2991_2992del, p.Gly998fs (NM_001354900.2); c.2937_2938del, p.Gly980fs (NM_001354901.2); and 5 more; short protein forms G1011fs, G1049fs, G879fs, G938fs, G1021fs, G913fs, G948fs, G980fs.
Identifiers: ClinVar variation 433642 (VCV000433642.4), dbSNP rs1554084698, ClinGen allele CA645372784.
Genomic context (GRCh38, chr5:112,838,707, plus strand): 5'-ATGGAGAACTAGATACACCAATAAATTATAGTCTTAAATATTCAGATGAGCAGTTGAACT[CTG>C]GAAGGCAAAGTCCTTCACAGAATGAAAGATGGGCAAGACCCAAACACATAATAGAAGATG-3'